The following is an entry in ClinVar:

NM_016284.5(CNOT1):c.14C>T (p.Ser5Leu)

Gene: CNOT1 (CCR4-NOT transcription complex subunit 1; minus strand). Cytogenetic location: 16q21.
Variant type: single nucleotide variant.
Coding change: c.14C>T on transcript NM_016284.5 (MANE Select); coding-DNA position 14, C replaced by T.
Protein change: p.Ser5Leu; replaces serine 5 with leucine.
Molecular consequence: missense variant. On other transcripts: non-coding transcript variant (1).
Genome position (GRCh38, 1-based): chr16:58,599,324, G>A on the plus strand (C>T on the coding strand, the complement: CNOT1 is on the minus strand). VCF-style: chr16-58599324-G-A. GRCh37 (hg19) VCF-style: chr16-58633228-G-A.
Other names: c.14C>T, p.Ser5Leu (NM_001265612.2, NM_206999.3); short protein forms S5L.
Identifiers: ClinVar variation 4077299 (VCV004077299.1).

ClinVar aggregate classification (germline): Uncertain significance (1 of 4 stars; one submission).

gnomAD v4.1: 3 of 1,614,064 alleles (0.00019%); highest among the groups gnomAD compares: East Asian, 0.0022%; no homozygotes.

Submission:

GeneDx
Classification: Uncertain significance. Last evaluated: 2025-02-26. Review status: criteria provided, single submitter. Criteria: GeneDx Variant Classification Process June 2021. Collection method: clinical testing. Allele origin: germline. Affected: yes.
Comment: Not observed at significant frequency in large population cohorts (gnomAD); In silico analysis supports that this missense variant has a deleterious effect on protein structure/function; Has not been previously published as pathogenic or benign to our knowledge